The following is an entry in ClinVar:

ClinVar aggregate classification (germline): Pathogenic (1 of 4 stars; one submission).

Conditions:
Familial thoracic aortic aneurysm and aortic dissection (TAAD). Also called: Thoracic aortic aneurysms and dissections. Identifiers: Orphanet 91387, MedGen C4707243, MONDO:0019625.
Marfan syndrome (MFS). Also called: FBN1-Related Marfan Syndrome; Marfan's syndrome; MARFAN SYNDROME, TYPE I; Marfan syndrome type 1; Marfan syndrome, classic. Identifiers: Orphanet 284963, Orphanet 558, MedGen C0024796, MONDO:0007947, OMIM 154700.

Submission:

Labcorp Genetics (formerly Invitae), Labcorp
Classification: Pathogenic for Marfan syndrome; Familial thoracic aortic aneurysm and aortic dissection. Last evaluated: 2022-06-04. Review status: criteria provided, single submitter. Criteria: Invitae Variant Classification Sherloc (09022015). Collection method: clinical testing. Allele origin: germline.
Comment: This sequence change creates a premature translational stop signal (p.Cys1719*) in the FBN1 gene. It is expected to result in an absent or disrupted protein product. Loss-of-function variants in FBN1 are known to be pathogenic (PMID: 17657824, 19293843). This variant is not present in population databases (gnomAD no frequency). This variant has not been reported in the literature in individuals affected with FBN1-related conditions. ClinVar contains an entry for this variant (Variation ID: 858650). For these reasons, this variant has been classified as Pathogenic.

Literature cited by the submitters: PubMed 17657824; PubMed 19293843.

NM_000138.5(FBN1):c.5157C>A (p.Cys1719Ter)

Gene: FBN1 (fibrillin 1; minus strand). Cytogenetic location: 15q21.1.
Variant type: single nucleotide variant.
Coding change: c.5157C>A on transcript NM_000138.5 (MANE Select); coding-DNA position 5157, C replaced by A.
Protein change: p.Cys1719Ter; replaces cysteine 1719 with a stop codon.
Molecular consequence: nonsense.
Genome position (GRCh38, 1-based): chr15:48,463,149, G>T on the plus strand (C>A on the coding strand, the complement: FBN1 is on the minus strand). VCF-style: chr15-48463149-G-T. GRCh37 (hg19) VCF-style: chr15-48755346-G-T.
Other names: short protein forms C1719*.
Identifiers: ClinVar variation 858650 (VCV000858650.7), dbSNP rs2043292643, ClinGen allele CA392349177.